The following is an entry in ClinVar:

ClinVar aggregate classification (germline): Uncertain significance (1 of 4 stars; one submission).

Conditions:
Hereditary cancer-predisposing syndrome. Also called: Neoplastic Syndromes, Hereditary; Tumor predisposition; Hereditary Cancer Syndrome; Hereditary neoplastic syndrome. Identifiers: Orphanet 140162, MedGen C0027672, MeSH D009386, MONDO:0015356.

Submission:

Ambry Genetics
Classification: Uncertain significance for Hereditary cancer-predisposing syndrome. Last evaluated: 2026-05-15. Review status: criteria provided, single submitter. Criteria: Ambry Variant Classification Scheme 2023. Collection method: clinical testing. Allele origin: germline.
Comment: The c.64-3delC intronic variant, located in intron 1 of the SDHA gene, results from a deletion of one nucleotide within intron 1 of the SDHA gene. This nucleotide position is well conserved in available vertebrate species. In silico splice site analysis for this alteration is inconclusive. Based on the available evidence, the clinical significance of this variant remains unclear.

NM_004168.4(SDHA):c.64-3del

Gene: SDHA (succinate dehydrogenase complex flavoprotein subunit A; plus strand). Cytogenetic location: 5p15.33.
Variant type: Deletion.
Coding change: c.64-3del on transcript NM_004168.4 (MANE Select); 3 bases into the intron before coding-DNA position 64, one base deleted (C; older notation c.64-3delC).
Molecular consequence: intron variant.
Genome position (GRCh38, 1-based): chr5:223,479, C deleted; the last of 2 consecutive C bases (chr5:223,478-223,479); deleting either gives the same sequence. VCF-style (leftmost placement, unchanged base first): chr5-223477-TC-T. GRCh37 (hg19) VCF-style: chr5-223592-TC-T.
Other names: c.64-3del (NM_001330758.2, NM_001294332.2).
Identifiers: ClinVar variation 4864227 (VCV004864227.1).